The following is an entry in ClinVar:

ClinVar aggregate classification (germline): Uncertain significance (1 of 4 stars; one submission).

Conditions:
Familial hypobetalipoproteinemia 1. Also called: Hypobetalipoproteinemia, normotriglyceridemic; Acanthocytosis with hypobetalipoproteinemia; APOB-Related Familial Hypobetalipoproteinemia. Identifiers: MedGen C4551990, MONDO:0014252, OMIM 615558.
Hypercholesterolemia, autosomal dominant, type B (FHCL2). Also called: Familial Hypercholesterolemia Type B; APOLIPOPROTEIN B-100, FAMILIAL DEFECTIVE; APOLIPOPROTEIN B-100, FAMILIAL LIGAND-DEFECTIVE; HYPERCHOLESTEROLEMIA, FAMILIAL, DUE TO LIGAND-DEFECTIVE APOLIPOPROTEIN B; Familial hypercholesterolemia 2; APOB-Related Familial Hypercholesterolemia, Autosomal Dominant. Identifiers: MedGen C1704417, MONDO:0007751, OMIM 144010.

Allele frequency attached by ClinVar (database versions not stated): TOPMed below 0.00001.
gnomAD v4.1: 1 of 1,614,104 alleles (0.000062%); highest among the groups gnomAD compares: Non-Finnish European, 0.000085%; no homozygotes.

Submission:

Labcorp Genetics (formerly Invitae), Labcorp
Classification: Uncertain significance for Familial hypobetalipoproteinemia 1; Hypercholesterolemia, autosomal dominant, type B. Last evaluated: 2018-10-08. Review status: criteria provided, single submitter. Criteria: Invitae Variant Classification Sherloc (09022015). Collection method: clinical testing. Allele origin: germline.
Comment: This sequence change replaces serine with threonine at codon 3049 of the APOB protein (p.Ser3049Thr). The serine residue is moderately conserved and there is a small physicochemical difference between serine and threonine. In summary, the available evidence is currently insufficient to determine the role of this variant in disease. Therefore, it has been classified as a Variant of Uncertain Significance. Algorithms developed to predict the effect of missense changes on protein structure and function output the following: SIFT: "Tolerated"; PolyPhen-2: "Benign"; Align-GVGD: "Class C0". The threonine amino acid residue is found in multiple mammalian species, suggesting that this missense change does not adversely affect protein function. These predictions have not been confirmed by published functional studies and their clinical significance is uncertain. This variant has not been reported in the literature in individuals with APOB-related disease. This variant is not present in population databases (ExAC no frequency).

NM_000384.3(APOB):c.9145T>A (p.Ser3049Thr)

Gene: APOB (apolipoprotein B; minus strand). Cytogenetic location: 2p24.1.
Variant type: single nucleotide variant.
Coding change: c.9145T>A on transcript NM_000384.3 (MANE Select); coding-DNA position 9145, T replaced by A.
Protein change: p.Ser3049Thr; replaces serine 3049 with threonine.
Molecular consequence: missense variant.
Genome position (GRCh38, 1-based): chr2:21,007,723, A>T on the plus strand (T>A on the coding strand, the complement: APOB is on the minus strand). VCF-style: chr2-21007723-A-T. GRCh37 (hg19) VCF-style: chr2-21230595-A-T.
Other names: short protein forms S3049T.
Identifiers: ClinVar variation 654652 (VCV000654652.9), dbSNP rs1572780174, ClinGen allele CA345990949.
Genomic context (GRCh38, chr2:21,007,723, plus strand): 5'-CTATCTTCCCTGTTAACCTTAATGGAAAACGAACTTTCAAATTCCCTTCATTGTTTGTGG[A>T]TGCCGTGATCTCAAATGGCTGGGCTGAAAAGAAAAGAGAATTTTTCAAAGTTCCAATAAC-3'
Protein context (NP_000375.3, residues 3039-3059): FSAQPFEITA[Ser3049Thr]TNNEGNLKVR